The following is an entry in ClinVar:

ClinVar aggregate classification (germline): Uncertain significance (1 of 4 stars; one submission).

Conditions:
Neurofibromatosis, type 2 (SWNV). Also called: SCHWANNOMATOSIS, VESTIBULAR; BILATERAL ACOUSTIC NEUROFIBROMATOSIS; NF2-Related Schwannomatosis. Identifiers: Orphanet 637, MedGen C0027832, MONDO:0007039, OMIM 101000. Disease mechanism: loss of function.

Submission:

Labcorp Genetics (formerly Invitae), Labcorp
Classification: Uncertain significance for Neurofibromatosis, type 2. Last evaluated: 2023-12-01. Review status: criteria provided, single submitter. Criteria: Invitae Variant Classification Sherloc (09022015). Collection method: clinical testing. Allele origin: unknown.
Comment: This variant is a gross deletion of the genomic region encompassing exon(s) 16 of the NF2 gene, which includes the termination codon. This deletion extends beyond the assayed region for this gene and therefore may encompass additional genes. While this deletion is not anticipated to lead to nonsense mediated decay, it is expected to alter mRNA translation or result in a truncated protein product. This variant has not been reported in the literature in individuals affected with NF2-related conditions. Experimental studies and prediction algorithms are not available or were not evaluated, and the functional significance of this variant is currently unknown. In summary, the available evidence is currently insufficient to determine the role of this variant in disease. Therefore, it has been classified as a Variant of Uncertain Significance.

NC_000022.10:g.(?_30090721)_(30090791_?)del

Gene: NF2 (NF2, moesin-ezrin-radixin like (MERLIN) tumor suppressor; plus strand). Cytogenetic location: 22q12.2.
Variant type: Deletion.
Identifiers: ClinVar variation 3247116 (VCV003247116.1).